The following is an entry in ClinVar:

ClinVar aggregate classification (germline): Benign (1 of 4 stars; one submission).

Conditions:
Familial cancer of breast. Also called: hereditary breast carcinoma; Hereditary breast cancer; BREAST CANCER, FAMILIAL. Identifiers: Orphanet 227535, MedGen C0346153, MONDO:0016419, OMIM 114480. Disease mechanism: loss of function.

Submission:

Myriad Genetics, Inc.
Classification: Benign for Familial cancer of breast. Last evaluated: 2024-09-06. Review status: criteria provided, single submitter. Criteria: Myriad Autosomal Dominant, Autosomal Recessive and X-Linked Classification Criteria (2023). Collection method: clinical testing. Allele origin: unknown.
Comment: This variant is considered benign. This variant is a silent/synonymous amino acid change and it is not expected to impact splicing.

NM_032043.3(BRIP1):c.2787A>G (p.Leu929=)

Gene: BRIP1 (BRCA1 interacting DNA helicase 1; minus strand). Cytogenetic location: 17q23.2.
Variant type: single nucleotide variant.
Coding change: c.2787A>G on transcript NM_032043.3 (MANE Select); coding-DNA position 2787, A replaced by G.
Protein change: p.Leu929=; no amino-acid change (leucine 929 retained).
Molecular consequence: synonymous variant.
Genome position (GRCh38, 1-based): chr17:61,685,954, T>C on the plus strand (A>G on the coding strand, the complement: BRIP1 is on the minus strand). VCF-style: chr17-61685954-T-C. GRCh37 (hg19) VCF-style: chr17-59763315-T-C.
Identifiers: ClinVar variation 3378628 (VCV003378628.1).